The following is an entry in ClinVar:

NM_000553.6(WRN):c.1518AGA[4] (p.Glu510del)

Gene: WRN (WRN RecQ like helicase; plus strand). Cytogenetic location: 8p12.
Variant type: Microsatellite.
Coding change: c.1518AGA[4] on transcript NM_000553.6 (MANE Select); four copies in a row of the 3-base unit AGA starting at c.1518; the reference has five copies in a row; one copy, 3 bases deleted.
Protein change: p.Glu510del; deletes glutamic acid 510.
Molecular consequence: inframe deletion.
Genome position (GRCh38, 1-based): chr8:31,087,874-31,087,876, AGA deleted; deleting any 3 consecutive bases within chr8:31,087,861-31,087,876 gives the same sequence; the position shown is the placement nearest the transcript's 3' end. VCF-style (leftmost placement, unchanged base first): chr8-31087860-AAAG-A. GRCh37 (hg19) VCF-style: chr8-30945376-AAAG-A.
Other names: short protein forms E510del.
Identifiers: ClinVar variation 194004 (VCV000194004.15), dbSNP rs781777438, ClinGen allele CA239773.

ClinVar aggregate classification (germline): Uncertain significance. Review status: criteria provided, multiple submitters, no conflicts (2 of 4 stars). 3 submissions from 3 submitters: Uncertain significance (2). 1 of the submissions does not count toward it. Last evaluated 2025-12-24.

Conditions:
WRN-related disorder. Also called: WRN-related condition.
Werner syndrome (WRN). Identifiers: Orphanet 902, MedGen C0043119, MONDO:0010196, OMIM 277700.

Submissions (3):

Labcorp Genetics (formerly Invitae), Labcorp
Classification: Uncertain significance for Werner syndrome. Last evaluated: 2025-12-24. Review status: criteria provided, single submitter. Criteria: Invitae Variant Classification Sherloc (09022015). Collection method: clinical testing. Allele origin: germline.
Comment: This variant, c.1530_1532del, results in the deletion of 1 amino acid(s) of the WRN protein (p.Glu510del), but otherwise preserves the integrity of the reading frame. The frequency data for this variant in the population databases is considered unreliable, as metrics indicate poor data quality at this position in the gnomAD database. This variant has not been reported in the literature in individuals affected with WRN-related conditions. Experimental studies and prediction algorithms are not available or were not evaluated, and the functional significance of this variant is currently unknown. In summary, the available evidence is currently insufficient to determine the role of this variant in disease. Therefore, it has been classified as a Variant of Uncertain Significance.

Eurofins Ntd Llc (ga)
Classification: Uncertain significance. Last evaluated: 2014-12-18. Review status: criteria provided, single submitter. Criteria: EGL Classification Definitions 2015. Collection method: clinical testing. Allele origin: germline. Observed: 1 variant allele, 1 heterozygote.

PreventionGenetics, part of Exact Sciences
Classification: Likely benign for WRN-related condition. Last evaluated: 2024-05-30. Review status: no assertion criteria provided. Collection method: clinical testing. Allele origin: germline. Not counted in ClinVar's aggregate classification.
Comment: This variant is classified as likely benign based on ACMG/AMP sequence variant interpretation guidelines (Richards et al. 2015 PMID: 25741868, with internal and published modifications).